The following is an entry in ClinVar:

NM_005560.6(LAMA5):c.1587C>T (p.Cys529=)

Gene: LAMA5 (laminin subunit alpha 5; minus strand). Cytogenetic location: 20q13.33.
Variant type: single nucleotide variant.
Coding change: c.1587C>T on transcript NM_005560.6 (MANE Select); coding-DNA position 1587, C replaced by T.
Protein change: p.Cys529=; no amino-acid change (cysteine 529 retained).
Molecular consequence: synonymous variant.
Genome position (GRCh38, 1-based): chr20:62,338,499, G>A on the plus strand (C>T on the coding strand, the complement: LAMA5 is on the minus strand). VCF-style: chr20-62338499-G-A. GRCh37 (hg19) VCF-style: chr20-60913555-G-A.
Identifiers: ClinVar variation 3053087 (VCV003053087.3), dbSNP rs762534791, ClinGen allele CA9943856.

ClinVar aggregate classification (germline): Likely benign. Review status: criteria provided, single submitter (1 of 4 stars). 2 submissions from 2 submitters: Likely benign (1). 1 of the submissions does not count toward it. Last evaluated 2025-02-23.

Conditions:
LAMA5-related disorder. Also called: LAMA5-Related Disorders; LAMA5-related condition.

Allele frequency attached by ClinVar (database versions not stated): gnomAD 0.00006; ExAC 0.00007; TOPMed 0.00008; gnomAD exomes 0.00012.
gnomAD v4.1: 175 of 1,608,872 alleles (0.011%); highest among the groups gnomAD compares: Non-Finnish European, 0.013%; no homozygotes.

Submissions (2):

Labcorp Genetics (formerly Invitae), Labcorp
Classification: Likely benign. Last evaluated: 2025-02-23. Review status: criteria provided, single submitter. Criteria: Invitae Variant Classification Sherloc (09022015). Collection method: clinical testing. Allele origin: germline.

PreventionGenetics, part of Exact Sciences
Classification: Likely benign for LAMA5-related condition. Last evaluated: 2019-09-06. Review status: no assertion criteria provided. Collection method: clinical testing. Allele origin: germline. Not counted in ClinVar's aggregate classification.
Comment: This variant is classified as likely benign based on ACMG/AMP sequence variant interpretation guidelines (Richards et al. 2015 PMID: 25741868, with internal and published modifications).